The following is an entry in ClinVar:

ClinVar aggregate classification (germline): Uncertain significance (1 of 4 stars; one submission).

Conditions:
ZNF462-related disorder. Also called: ZNF462-related condition; ZNF462 related disease.

Submission:

PreventionGenetics, part of Exact Sciences
Classification: Uncertain significance for ZNF462-related condition. Last evaluated: 2023-01-09. Review status: criteria provided, single submitter. Criteria: ACMG Guidelines, 2015. Collection method: clinical testing. Allele origin: germline.
Comment: The ZNF462 c.4385A>G variant is predicted to result in the amino acid substitution p.Asn1462Ser. To our knowledge, this variant has not been reported in the literature or in a large population database, indicating this variant is rare. At this time, the clinical significance of this variant is uncertain due to the absence of conclusive functional and genetic evidence.

NM_021224.6(ZNF462):c.4385A>G (p.Asn1462Ser)

Gene: ZNF462 (zinc finger protein 462; plus strand). Cytogenetic location: 9q31.2.
Variant type: single nucleotide variant.
Coding change: c.4385A>G on transcript NM_021224.6 (MANE Select); coding-DNA position 4385, A replaced by G.
Protein change: p.Asn1462Ser; replaces asparagine 1462 with serine.
Molecular consequence: missense variant. On other transcripts: intron variant (1).
Genome position (GRCh38, 1-based): chr9:106,928,297, A>G. VCF-style: chr9-106928297-A-G. GRCh37 (hg19) VCF-style: chr9-109690578-A-G.
Other names: c.3252+1133A>G (NM_001347997.2); short protein forms N1462S.
Identifiers: ClinVar variation 2629819 (VCV002629819.1), dbSNP rs80154710, ClinGen allele CA374408546.